The following is an entry in ClinVar:

NM_004275.5(MED20):c.88A>G (p.Met30Val)

Genes: BYSL (bystin like; plus strand), MED20 (mediator complex subunit 20; minus strand), LOC126859675 (MED14-independent group 3 enhancer GRCh37_chr6:41884515-41885714; plus strand). Cytogenetic location: 6p21.1.
Variant type: single nucleotide variant.
Coding change: c.88A>G on transcript NM_004275.5 (MANE Select); coding-DNA position 88, A replaced by G.
Protein change: p.Met30Val; replaces methionine 30 with valine.
Molecular consequence: missense variant. On other transcripts: 5 prime UTR variant (1), non-coding transcript variant (1), intron variant (1).
Genome position (GRCh38, 1-based): chr6:41,916,866, T>C on the plus strand (A>G on the coding strand, the complement: MED20 is on the minus strand). VCF-style: chr6-41916866-T-C. GRCh37 (hg19) VCF-style: chr6-41884604-T-C.
Other names: c.-215A>G (NM_001305456.2); c.88A>G, p.Met30Val (NM_001305457.2); c.-18+4139A>G (NM_001305455.2); c.88A>G (NM_004275.3); short protein forms M30V.
Identifiers: ClinVar variation 1356938 (VCV001356938.7), dbSNP rs763208484, ClinGen allele CA3803651.

ClinVar aggregate classification (germline): Uncertain significance. Review status: criteria provided, multiple submitters, no conflicts (2 of 4 stars). 2 submissions from 2 submitters: Uncertain significance (2). Last evaluated 2025-08-06.

Allele frequency attached by ClinVar (database versions not stated): ExAC 0.00002; gnomAD 0.00002 and 0.00003; gnomAD exomes 0.00002; TOPMed 0.00002.
gnomAD v4.1: 41 of 1,614,074 alleles (0.0025%); highest among the groups gnomAD compares: Non-Finnish European, 0.0029%; no homozygotes.

Submissions (2):

Ambry Genetics
Classification: Uncertain significance. Last evaluated: 2025-08-06. Review status: criteria provided, single submitter. Criteria: Ambry Variant Classification Scheme 2023. Collection method: clinical testing. Allele origin: germline.

Labcorp Genetics (formerly Invitae), Labcorp
Classification: Uncertain significance. Last evaluated: 2021-08-28. Review status: criteria provided, single submitter. Criteria: Invitae Variant Classification Sherloc (09022015). Collection method: clinical testing. Allele origin: germline.
Comment: In summary, the available evidence is currently insufficient to determine the role of this variant in disease. Therefore, it has been classified as a Variant of Uncertain Significance. Algorithms developed to predict the effect of sequence changes on RNA splicing suggest that this variant may create or strengthen a splice site. Algorithms developed to predict the effect of missense changes on protein structure and function output the following: SIFT: "Tolerated"; PolyPhen-2: "Benign"; Align-GVGD: "Class C0". The valine amino acid residue is found in multiple mammalian species, which suggests that this missense change does not adversely affect protein function. This variant has not been reported in the literature in individuals affected with MED20-related conditions. This variant is present in population databases (rs763208484, ExAC 0.003%). This sequence change replaces methionine with valine at codon 30 of the MED20 protein (p.Met30Val). The methionine residue is weakly conserved and there is a small physicochemical difference between methionine and valine.